The following is an entry in ClinVar:

NM_022356.4(P3H1):c.139G>T (p.Ala47Ser)

Gene: P3H1 (prolyl 3-hydroxylase 1; minus strand). Cytogenetic location: 1p34.2.
Variant type: single nucleotide variant.
Coding change: c.139G>T on transcript NM_022356.4 (MANE Select); coding-DNA position 139, G replaced by T.
Protein change: p.Ala47Ser; replaces alanine 47 with serine.
Molecular consequence: missense variant.
Genome position (GRCh38, 1-based): chr1:42,766,833, C>A on the plus strand (G>T on the coding strand, the complement: P3H1 is on the minus strand). VCF-style: chr1-42766833-C-A. GRCh37 (hg19) VCF-style: chr1-43232504-C-A.
Other names: c.139G>T, p.Ala47Ser (NM_001146289.2, NM_001243246.2); short protein forms A47S.
Identifiers: ClinVar variation 379443 (VCV000379443.30), dbSNP rs55716016, ClinGen allele CA802228.

ClinVar aggregate classification (germline): Conflicting classifications of pathogenicity. Review status: criteria provided, conflicting classifications (1 of 4 stars). 8 submissions from 7 submitters: Uncertain significance (1); Benign (6); Likely benign (1). Last evaluated 2026-02-04.

Conditions:
Osteogenesis imperfecta (OI). Identifiers: Orphanet 666, MedGen C0029434, MeSH D010013, MONDO:0019019.
Osteogenesis imperfecta type 8 (OI8). Identifiers: MedGen C1970458, MONDO:0012581, OMIM 610915.
Osteogenesis Imperfecta, Recessive.

Allele frequency attached by ClinVar (database versions not stated): gnomAD exomes 0.03108 and 0.03175; ExAC 0.03266; 1000 Genomes Project 0.03974; 1000 Genomes Project 30x 0.03982; gnomAD 0.04103 and 0.04262; ESP Exome Variant Server 0.04234; TOPMed 0.04322.
gnomAD v4.1: 52,438 of 1,604,686 alleles (3.3%); highest among the groups gnomAD compares: African/African-American, 7.9%; 1,076 homozygotes.

Submissions (8):

Labcorp Genetics (formerly Invitae), Labcorp
Classification: Benign for Osteogenesis imperfecta type 8. Last evaluated: 2026-02-04. Review status: criteria provided, single submitter. Criteria: Invitae Variant Classification Sherloc (09022015). Collection method: clinical testing. Allele origin: germline.

Genomic Medicine Center of Excellence, King Faisal Specialist Hospital and Research Centre
Classification: Likely benign for Osteogenesis imperfecta type 8. Last evaluated: 2025-07-30. Review status: criteria provided, single submitter. Criteria: ACMG Guidelines, 2015. Collection method: clinical testing. Allele origin: germline.

ARUP Laboratories, Molecular Genetics and Genomics, ARUP Laboratories
Classification: Benign for Osteogenesis imperfecta type 8. Last evaluated: 2025-05-08. Review status: criteria provided, single submitter. Criteria: ARUP Molecular Germline Variant Investigation Process 2024. Collection method: clinical testing. Allele origin: germline.

Genome Diagnostics Laboratory, The Hospital for Sick Children
Classification: Benign for Osteogenesis imperfecta. Last evaluated: 2022-07-14. Review status: criteria provided, single submitter. Criteria: ACMG Guidelines, 2015. Collection method: clinical testing. Allele origin: germline.

Mayo Clinic Laboratories, Mayo Clinic
Classification: Benign. Last evaluated: 2022-04-26. Review status: criteria provided, single submitter. Criteria: ACMG Guidelines, 2015. Collection method: clinical testing. Allele origin: germline. Observed: 7 variant alleles.

Illumina Laboratory Services, Illumina
Classification: Benign for Osteogenesis imperfecta type 8. Last evaluated: 2018-01-13. Review status: criteria provided, single submitter. Criteria: ICSL Variant Classification Criteria 13 December 2019. Collection method: clinical testing. Allele origin: germline.
Comment: This variant was observed in the ICSL laboratory as part of a predisposition screen in an ostensibly healthy population. It had not been previously curated by ICSL or reported in the Human Gene Mutation Database (HGMD: prior to June 1st, 2018), and was therefore a candidate for classification through an automated scoring system. Utilizing variant allele frequency, disease prevalence and penetrance estimates, and inheritance mode, an automated score was calculated to assess if this variant is too frequent to cause the disease. Based on the score and internal cut-off values, a variant classified as benign is not then subjected to further curation. The score for this variant resulted in a classification of benign for this disease.

Illumina Laboratory Services, Illumina
Classification: Uncertain significance for Osteogenesis Imperfecta, Recessive. Last evaluated: 2017-04-27. Review status: criteria provided, single submitter. Criteria: ICSL Variant Classification Criteria 13 December 2019. Collection method: clinical testing. Allele origin: germline.

GeneDx
Classification: Benign. Last evaluated: 2016-05-06. Review status: criteria provided, single submitter. Criteria: GeneDx Variant Classification (06012015). Collection method: clinical testing. Allele origin: germline. Affected: yes.
Comment: This variant is considered likely benign or benign based on one or more of the following criteria: it is a conservative change, it occurs at a poorly conserved position in the protein, it is predicted to be benign by multiple in silico algorithms, and/or has population frequency not consistent with disease.